The following is an entry in ClinVar:

NM_018896.5(CACNA1G):c.3034G>A (p.Gly1012Ser)

Gene: CACNA1G (calcium voltage-gated channel subunit alpha1 G; plus strand). Cytogenetic location: 17q21.33.
Variant type: single nucleotide variant.
Coding change: c.3034G>A on transcript NM_018896.5 (MANE Select); coding-DNA position 3034, G replaced by A.
Protein change: p.Gly1012Ser; replaces glycine 1012 with serine.
Molecular consequence: missense variant. On other transcripts: non-coding transcript variant (5).
Genome position (GRCh38, 1-based): chr17:50,596,616, G>A. VCF-style: chr17-50596616-G-A. GRCh37 (hg19) VCF-style: chr17-48673977-G-A.
Other names: c.2965G>A, p.Gly989Ser (NM_198379.3, NM_198382.3, NM_198383.3 and 5 more transcripts); c.3034G>A, p.Gly1012Ser (NM_198380.3, NM_198384.3, NM_198385.3 and 16 more transcripts); short protein forms G1012S, G989S.
Identifiers: ClinVar variation 5018172 (VCV005018172.1).

ClinVar aggregate classification (germline): Uncertain significance (1 of 4 stars; one submission).

gnomAD v4.1: 1 of 1,613,972 alleles (0.000062%); highest among the groups gnomAD compares: Admixed American, 0.0017%; no homozygotes.

Submission:

GeneDx
Classification: Uncertain significance. Last evaluated: 2026-04-08. Review status: criteria provided, single submitter. Criteria: GeneDx Variant Classification Process June 2021. Collection method: clinical testing. Allele origin: germline.
Comment: Identified in a patient with essential tremors in the published literature, however this variant was not present in similarly affected family members (PMID: 41178571); Not observed at significant frequency in large population cohorts (gnomAD); In silico analysis suggests that this missense variant does not alter protein structure/function; This variant is associated with the following publications: (PMID: 41178571)